The following is an entry in ClinVar:

NM_000548.5(TSC2):c.5241C>T (p.Ile1747=)

Gene: TSC2 (TSC complex subunit 2; plus strand). Cytogenetic location: 16p13.3.
Variant type: single nucleotide variant.
Coding change: c.5241C>T on transcript NM_000548.5 (MANE Select); coding-DNA position 5241, C replaced by T.
Protein change: p.Ile1747=; no amino-acid change (isoleucine 1747 retained).
Molecular consequence: synonymous variant. On other transcripts: non-coding transcript variant (5).
Genome position (GRCh38, 1-based): chr16:2,088,307, C>T. VCF-style: chr16-2088307-C-T. GRCh37 (hg19) VCF-style: chr16-2138308-C-T.
Other names: c.4443C>T, p.Ile1481= (NM_001406685.1, NM_001406686.1); c.4440C>T, p.Ile1480= (NM_001406687.1, NM_001406688.1); c.3828C>T, p.Ile1276= (NM_001406689.1); c.3768C>T, p.Ile1256= (NM_001406690.1); c.3765C>T, p.Ile1255= (NM_001406691.1); c.3699C>T, p.Ile1233= (NM_001406692.1, NM_001406693.1, NM_001406694.1); c.3696C>T, p.Ile1232= (NM_001406695.1, NM_001406696.1, NM_001406697.1); c.3438C>T, p.Ile1146= (NM_001406698.1); and 27 more.
Identifiers: ClinVar variation 3615741 (VCV003615741.3).

ClinVar aggregate classification (germline): Benign/Likely benign. Review status: criteria provided, multiple submitters, no conflicts (2 of 4 stars). 2 submissions from 2 submitters: Benign (1); Likely benign (1). Last evaluated 2026-01-21.

Conditions:
Tuberous sclerosis 2 (TSC2). Identifiers: Orphanet 805, MedGen C1860707, MONDO:0013199, OMIM 613254.

Submissions (2):

Labcorp Genetics (formerly Invitae), Labcorp
Classification: Likely benign for Tuberous sclerosis 2. Last evaluated: 2026-01-21. Review status: criteria provided, single submitter. Criteria: Invitae Variant Classification Sherloc (09022015). Collection method: clinical testing. Allele origin: germline.

Myriad Genetics, Inc.
Classification: Benign for Tuberous sclerosis 2. Last evaluated: 2025-06-06. Review status: criteria provided, single submitter. Criteria: Myriad Autosomal Dominant, Autosomal Recessive and X-Linked Classification Criteria (2023). Collection method: clinical testing. Allele origin: unknown.
Comment: This variant is considered benign. This variant is a silent/synonymous amino acid change and it is not expected to impact splicing.